The following is an entry in ClinVar:

NM_206933.4(USH2A):c.2304C>A (p.Cys768Ter)

Gene: USH2A (usherin; minus strand). Cytogenetic location: 1q41.
Variant type: single nucleotide variant.
Coding change: c.2304C>A on transcript NM_206933.4 (MANE Select); coding-DNA position 2304, C replaced by A.
Protein change: p.Cys768Ter; replaces cysteine 768 with a stop codon.
Molecular consequence: nonsense.
Genome position (GRCh38, 1-based): chr1:216,247,090, G>T on the plus strand (C>A on the coding strand, the complement: USH2A is on the minus strand). VCF-style: chr1-216247090-G-T. GRCh37 (hg19) VCF-style: chr1-216420432-G-T.
Other names: c.2304C>A, p.Cys768Ter (NM_007123.6); short protein forms C768*.
Identifiers: ClinVar variation 265286 (VCV000265286.22), dbSNP rs886039449, ClinGen allele CA10588282.

ClinVar aggregate classification (germline): Pathogenic/Likely pathogenic. Review status: criteria provided, multiple submitters, no conflicts (2 of 4 stars). 7 submissions from 7 submitters: Pathogenic (6); Likely pathogenic (1). Last evaluated 2026-08-28.

Conditions:
USH2A-related disorder. Also called: USH2A-related disorders; USH2A-related condition. Identifiers: MedGen CN239332.
Retinitis pigmentosa 39 (RP39). Identifiers: Orphanet 791, MedGen C3151138, MONDO:0013436, OMIM 613809.
Usher syndrome type 2A. Also called: USHER SYNDROME, TYPE IIA; RETINAL DISEASE IN USHER SYNDROME TYPE IIA, MODIFIER OF. Identifiers: Orphanet 231178, Orphanet 886, MedGen C1848634, MONDO:0010169, OMIM 276901.

Allele frequency attached by ClinVar (database versions not stated): gnomAD 0.00001; TOPMed 0.00002.
gnomAD v4.1: 1 of 1,613,872 alleles (0.000062%); highest among the groups gnomAD compares: Non-Finnish European, 0.000085%; no homozygotes.

Submissions (7):

PreventionGenetics, part of Exact Sciences
Classification: Pathogenic for USH2A-related condition. Last evaluated: 2026-08-28. Review status: criteria provided, single submitter. Criteria: ACMG Guidelines, 2015. Collection method: clinical testing. Allele origin: germline.
Comment: The USH2A c.2304C>A variant is predicted to result in premature protein termination (p.Cys768*). This variant has been reported in the compound heterozygous state with another loss-of-function USH2A variant in an individual with Usher syndrome (Table S1, Stone et al. 2017. PubMed ID: 28559085). This variant has not been reported in a large population database (gnomAD), indicating this variant is rare. Nonsense variants in USH2A are expected to be pathogenic. This variant is interpreted as pathogenic.

Labcorp Genetics (formerly Invitae), Labcorp
Classification: Pathogenic. Last evaluated: 2025-12-30. Review status: criteria provided, single submitter. Criteria: Invitae Variant Classification Sherloc (09022015). Collection method: clinical testing. Allele origin: germline.
Comment: This sequence change creates a premature translational stop signal (p.Cys768*) in the USH2A gene. It is expected to result in an absent or disrupted protein product. Loss-of-function variants in USH2A are known to be pathogenic (PMID: 10729113, 10909849, 20507924, 25649381). This variant is not present in population databases (gnomAD no frequency). This premature translational stop signal has been observed in individual(s) with Usher syndrome (PMID: 16963483, 28559085). ClinVar contains an entry for this variant (Variation ID: 265286). For these reasons, this variant has been classified as Pathogenic.

Natera, Inc.
Classification: Pathogenic for Usher syndrome type 2A. Last evaluated: 2025-02-26. Review status: criteria provided, single submitter. Criteria: Natera Variant Classification Schema (03/2026). Collection method: clinical testing. Allele origin: germline.
Comment: The c.2304C>A variant in USH2A is a nonsense variant predicted to introduce a stop codon at amino acid 768. This variant is expected to result in nonsense mediated decay, truncation, or a dysfunctional protein product. This variant is rare in the general population with a frequency below the threshold expected for the associated phenotype(s). This variant has been observed in one or more individuals affected with the associated recessive disease, as either homozygous or compound heterozygous with a second variant (PMID: 28559085). Given the available evidence, this variant is classified as Pathogenic.

Genome-Nilou Lab
Classification: Likely pathogenic for Retinitis pigmentosa 39. Last evaluated: 2023-11-04. Review status: criteria provided, single submitter. Criteria: ACMG Guidelines, 2015. Collection method: clinical testing. Allele origin: germline. Affected: no.

GeneDx
Classification: Pathogenic. Last evaluated: 2023-08-27. Review status: criteria provided, single submitter. Criteria: GeneDx Variant Classification Process June 2021. Collection method: clinical testing. Allele origin: germline. Affected: yes.
Comment: Nonsense variant predicted to result in protein truncation or nonsense mediated decay in a gene for which loss-of-function is a known mechanism of disease; Not observed at significant frequency in large population cohorts (gnomAD); This variant is associated with the following publications: (PMID: 25525159, 16963483, 28559085)

Baylor Genetics
Classification: Pathogenic for Retinitis pigmentosa 39. Last evaluated: 2021-10-29. Review status: criteria provided, single submitter. Criteria: ACMG Guidelines, 2015. Collection method: clinical testing. Allele origin: unknown.

Blueprint Genetics
Classification: Pathogenic for USH2A-related disorders. Last evaluated: 2021-10-11. Review status: criteria provided, single submitter. Criteria: ACMG Guidelines, 2015. Collection method: clinical testing. Allele origin: germline. Affected: yes. Observed: 5 variant alleles.

Literature cited by the submitters: PubMed 10729113 (cited by Labcorp Genetics (formerly Invitae), Labcorp); PubMed 10909849 (cited by Labcorp Genetics (formerly Invitae), Labcorp); PubMed 20507924 (cited by Labcorp Genetics (formerly Invitae), Labcorp); PubMed 25649381 (cited by Labcorp Genetics (formerly Invitae), Labcorp); PubMed 16963483 (cited by Labcorp Genetics (formerly Invitae), Labcorp); PubMed 28559085 (cited by Labcorp Genetics (formerly Invitae), Labcorp and Natera, Inc.).